The following is an entry in ClinVar:

NM_000069.3(CACNA1S):c.729G>A (p.Ser243=)

Gene: CACNA1S (calcium voltage-gated channel subunit alpha1 S; minus strand). Cytogenetic location: 1q32.1.
Variant type: single nucleotide variant.
Coding change: c.729G>A on transcript NM_000069.3 (MANE Select); coding-DNA position 729, G replaced by A.
Protein change: p.Ser243=; no amino-acid change (serine 243 retained).
Molecular consequence: synonymous variant.
Genome position (GRCh38, 1-based): chr1:201,089,429, C>T on the plus strand (G>A on the coding strand, the complement: CACNA1S is on the minus strand). VCF-style: chr1-201089429-C-T. GRCh37 (hg19) VCF-style: chr1-201058557-C-T.
Identifiers: ClinVar variation 1587468 (VCV001587468.23), dbSNP rs148593959, ClinGen allele CA083977.

ClinVar aggregate classification (germline): Likely benign. Review status: criteria provided, multiple submitters, no conflicts (2 of 4 stars). 3 submissions from 3 submitters: Likely benign (3). Last evaluated 2026-07-01.

Conditions:
Malignant hyperthermia, susceptibility to, 5 (MHS5). Also called: CACNA1S-Related Malignant Hyperthermia Susceptibility. Identifiers: Orphanet 423, MedGen C1866077, MONDO:0011163, OMIM 601887.
Hypokalemic periodic paralysis, type 1. Also called: HypoPP; Hypokalemic Periodic Paralysis Type 1 (AD). Identifiers: Orphanet 681, MedGen C3714580, MONDO:0042979, OMIM 170400.

Allele frequency attached by ClinVar (database versions not stated): gnomAD 0.00001; gnomAD exomes 0.00001 and 0.00003; ExAC 0.00005; 1000 Genomes Project 30x 0.00016; 1000 Genomes Project 0.00020.
gnomAD v4.1: 21 of 1,614,106 alleles (0.0013%); highest among the groups gnomAD compares: Non-Finnish European, 0.0017%; no homozygotes.

Submissions (3):

CeGaT Center for Human Genetics Tuebingen
Classification: Likely benign. Last evaluated: 2026-07-01. Review status: criteria provided, single submitter. Criteria: CeGaT Center For Human Genetics Tuebingen Variant Classification Criteria Version 2. Collection method: clinical testing. Allele origin: germline. Affected: yes. Observed: 2 variant alleles.
Comment: CACNA1S: BP4, BP7

Labcorp Genetics (formerly Invitae), Labcorp
Classification: Likely benign for Hypokalemic periodic paralysis, type 1; Malignant hyperthermia, susceptibility to, 5. Last evaluated: 2025-12-21. Review status: criteria provided, single submitter. Criteria: Invitae Variant Classification Sherloc (09022015). Collection method: clinical testing. Allele origin: germline.

Color Diagnostics, LLC DBA Color Health
Classification: Likely benign for Malignant hyperthermia, susceptibility to, 5. Last evaluated: 2022-11-06. Review status: criteria provided, single submitter. Criteria: ACMG Guidelines, 2015. Collection method: clinical testing. Allele origin: germline.